The following is an entry in ClinVar:

NM_001330288.2(SMARCC2):c.163C>T (p.Gln55Ter)

Gene: SMARCC2 (SWI/SNF related BAF chromatin remodeling complex subunit C2; minus strand). Cytogenetic location: 12q13.2.
Variant type: single nucleotide variant.
Coding change: c.163C>T on transcript NM_001330288.2 (MANE Select); coding-DNA position 163, C replaced by T.
Protein change: p.Gln55Ter; replaces glutamine 55 with a stop codon.
Molecular consequence: nonsense.
Genome position (GRCh38, 1-based): chr12:56,187,255, G>A on the plus strand (C>T on the coding strand, the complement: SMARCC2 is on the minus strand). VCF-style: chr12-56187255-G-A. GRCh37 (hg19) VCF-style: chr12-56581039-G-A.
Other names: c.163C>T, p.Gln55Ter (NM_001130420.3, NM_003075.5, NM_139067.4); short protein forms Q55*.
Identifiers: ClinVar variation 1879239 (VCV001879239.29), dbSNP rs2540972828, ClinGen allele CA385267527.

ClinVar aggregate classification (germline): Pathogenic (1 of 4 stars; one submission).

Submission:

CeGaT Center for Human Genetics Tuebingen
Classification: Pathogenic. Last evaluated: 2022-11-01. Review status: criteria provided, single submitter. Criteria: CeGaT Center For Human Genetics Tuebingen Variant Classification Criteria Version 2. Collection method: clinical testing. Allele origin: germline. Affected: yes. Observed: 1 variant allele.
Comment: SMARCC2: PVS1, PM2